The following is an entry in ClinVar:

NM_002667.5(PLN):c.113T>C (p.Ile38Thr)

Genes: PLN (phospholamban; plus strand), CEP85L (centrosomal protein 85L; minus strand). Cytogenetic location: 6q22.31.
Variant type: single nucleotide variant.
Coding change: c.113T>C on transcript NM_002667.5 (MANE Select); coding-DNA position 113, T replaced by C.
Protein change: p.Ile38Thr; replaces isoleucine 38 with threonine.
Molecular consequence: missense variant. On other transcripts: intron variant (3).
Genome position (GRCh38, 1-based): chr6:118,559,034, T>C. VCF-style: chr6-118559034-T-C. GRCh37 (hg19) VCF-style: chr6-118880197-T-C.
Other names: c.1029+6495A>G (NM_001178035.2); c.1020+6495A>G (NM_001042475.3, NM_206921.3); short protein forms I38T.
Identifiers: ClinVar variation 532920 (VCV000532920.8), dbSNP rs1554219862, ClinGen allele CA365546538.

ClinVar aggregate classification (germline): Uncertain significance (1 of 4 stars; one submission).

Conditions:
Dilated cardiomyopathy 1P (CMD1P). Identifiers: Orphanet 154, MedGen C1835928, MONDO:0012362, OMIM 609909.

Allele frequency attached by ClinVar (database versions not stated): gnomAD exomes below 0.00001.
gnomAD v4.1: 1 of 1,611,196 alleles (0.000062%); no homozygotes.

Submission:

Labcorp Genetics (formerly Invitae), Labcorp
Classification: Uncertain significance for Dilated cardiomyopathy 1P. Last evaluated: 2024-11-04. Review status: criteria provided, single submitter. Criteria: Invitae Variant Classification Sherloc (09022015). Collection method: clinical testing. Allele origin: germline.
Comment: This sequence change replaces isoleucine, which is neutral and non-polar, with threonine, which is neutral and polar, at codon 38 of the PLN protein (p.Ile38Thr). This variant is not present in population databases (gnomAD no frequency). This variant has not been reported in the literature in individuals affected with PLN-related conditions. ClinVar contains an entry for this variant (Variation ID: 532920). An algorithm developed to predict the effect of missense changes on protein structure and function (PolyPhen-2) suggests that this variant is likely to be tolerated. In summary, the available evidence is currently insufficient to determine the role of this variant in disease. Therefore, it has been classified as a Variant of Uncertain Significance.